The following is an entry in ClinVar:

ClinVar aggregate classification (germline): Uncertain significance (1 of 4 stars; one submission).

Submission:

Mayo Clinic Laboratories, Mayo Clinic
Classification: Uncertain significance. Last evaluated: 2023-10-12. Review status: criteria provided, single submitter. Criteria: ACMG Guidelines, 2015. Collection method: clinical testing. Allele origin: germline. Observed: 1 variant allele.
Comment: PM2_moderate

NM_021619.3(PRDM12):c.787C>A (p.Arg263Ser)

Gene: PRDM12 (PR/SET domain 12; plus strand). Cytogenetic location: 9q34.12.
Variant type: single nucleotide variant.
Coding change: c.787C>A on transcript NM_021619.3 (MANE Select); coding-DNA position 787, C replaced by A.
Protein change: p.Arg263Ser; replaces arginine 263 with serine.
Molecular consequence: missense variant.
Genome position (GRCh38, 1-based): chr9:130,681,352, C>A. VCF-style: chr9-130681352-C-A. GRCh37 (hg19) VCF-style: chr9-133556739-C-A.
Other names: p.Arg263Ser; short protein forms R263S.
Identifiers: ClinVar variation 3379908 (VCV003379908.1).